The following is an entry in ClinVar:

NM_001903.5(CTNNA1):c.570G>A (p.Met190Ile)

Gene: CTNNA1 (catenin alpha 1; plus strand). Cytogenetic location: 5q31.2.
Variant type: single nucleotide variant.
Coding change: c.570G>A on transcript NM_001903.5 (MANE Select); coding-DNA position 570, G replaced by A.
Protein change: p.Met190Ile; replaces methionine 190 with isoleucine.
Molecular consequence: missense variant.
Genome position (GRCh38, 1-based): chr5:138,812,284, G>A. VCF-style: chr5-138812284-G-A. GRCh37 (hg19) VCF-style: chr5-138147973-G-A.
Other names: c.570G>A, p.Met190Ile (NM_001290307.3, NM_001323982.2, NM_001323983.1 and 3 more transcripts); c.261G>A, p.Met87Ile (NM_001290309.3); c.201G>A, p.Met67Ile (NM_001290310.3); c.570G>A (NM_001903.2); short protein forms M190I, M67I, M87I.
Identifiers: ClinVar variation 858608 (VCV000858608.10), dbSNP rs1758903087, ClinGen allele CA361125604.
Genomic context (GRCh38, chr5:138,812,284, plus strand): 5'-ACAAGACTTAGGAATCCAGTATAAAGCCCTAAAACCTGAAGTGGATAAGCTGAACATTAT[G>A]GCAGCCAAAAGACAACAGGTACAGTCATGATTTGGGGATATATTAAAGTTGTTCATTTTA-3'
Protein context (NP_001894.2, residues 180-200): LKPEVDKLNI[Met190Ile]AAKRQQELKD

ClinVar aggregate classification (germline): Uncertain significance. Review status: criteria provided, multiple submitters, no conflicts (2 of 4 stars). 2 submissions from 2 submitters: Uncertain significance (2). Last evaluated 2025-06-05.

Conditions:
Hereditary cancer-predisposing syndrome. Also called: Tumor predisposition; Hereditary neoplastic syndrome; Neoplastic Syndromes, Hereditary; Hereditary Cancer Syndrome. Identifiers: Orphanet 140162, MedGen C0027672, MeSH D009386, MONDO:0015356.

Allele frequency attached by ClinVar (database versions not stated): gnomAD exomes below 0.00001.

Submissions (2):

Ambry Genetics
Classification: Uncertain significance for Hereditary cancer-predisposing syndrome. Last evaluated: 2025-06-05. Review status: criteria provided, single submitter. Criteria: Ambry Variant Classification Scheme 2023. Collection method: clinical testing. Allele origin: germline.
Comment: The p.M190I variant (also known as c.570G>A), located in coding exon 4 of the CTNNA1 gene, results from a G to A substitution at nucleotide position 570. The methionine at codon 190 is replaced by isoleucine, an amino acid with highly similar properties. In one study, this alteration was identified in 1/151,425 individuals who underwent multi-gene germline genetic testing and classified as a variant of uncertain significance by the authors (Clark DF et al. Genet Med, 2020 May;22:840-846). This amino acid position is well conserved in available vertebrate species. In addition, this alteration is predicted to be tolerated by in silico analysis. Based on the available evidence, the clinical significance of this variant remains unclear.

Labcorp Genetics (formerly Invitae), Labcorp
Classification: Uncertain significance. Last evaluated: 2022-03-08. Review status: criteria provided, single submitter. Criteria: Invitae Variant Classification Sherloc (09022015). Collection method: clinical testing. Allele origin: germline.
Comment: This variant is not present in population databases (gnomAD no frequency). This variant has not been reported in the literature in individuals affected with CTNNA1-related conditions. ClinVar contains an entry for this variant (Variation ID: 858608). Algorithms developed to predict the effect of missense changes on protein structure and function are either unavailable or do not agree on the potential impact of this missense change (SIFT: "Deleterious"; PolyPhen-2: "Benign"; Align-GVGD: "Class C0"). In summary, the available evidence is currently insufficient to determine the role of this variant in disease. Therefore, it has been classified as a Variant of Uncertain Significance. This sequence change replaces methionine, which is neutral and non-polar, with isoleucine, which is neutral and non-polar, at codon 190 of the CTNNA1 protein (p.Met190Ile).

Literature cited by the submitters: PubMed 32051609 (cited by Ambry Genetics).